The following is an entry in ClinVar:

NM_001184.4(ATR):c.7705G>A (p.Val2569Met)

Gene: ATR (ATR checkpoint kinase; minus strand). Cytogenetic location: 3q23.
Variant type: single nucleotide variant.
Coding change: c.7705G>A on transcript NM_001184.4 (MANE Select); coding-DNA position 7705, G replaced by A.
Protein change: p.Val2569Met; replaces valine 2569 with methionine.
Molecular consequence: missense variant.
Genome position (GRCh38, 1-based): chr3:142,453,184, C>T on the plus strand (G>A on the coding strand, the complement: ATR is on the minus strand). VCF-style: chr3-142453184-C-T. GRCh37 (hg19) VCF-style: chr3-142172026-C-T.
Other names: c.7513G>A, p.Val2505Met (NM_001354579.2); short protein forms V2505M, V2569M.
Identifiers: ClinVar variation 1760230 (VCV001760230.2), dbSNP rs2108249751, ClinGen allele CA354794131.

ClinVar aggregate classification (germline): Uncertain significance (1 of 4 stars; one submission).

Conditions:
Inborn genetic diseases. Identifiers: MedGen C0950123, MeSH D030342.

Allele frequency attached by ClinVar (database versions not stated): gnomAD exomes below 0.00001.
gnomAD v4.1: 4 of 1,613,918 alleles (0.00025%); highest among the groups gnomAD compares: Non-Finnish European, 0.00034%; no homozygotes.

Submission:

Ambry Genetics
Classification: Uncertain significance for Inborn genetic diseases. Last evaluated: 2022-02-05. Review status: criteria provided, single submitter. Criteria: Ambry Variant Classification Scheme 2023. Collection method: clinical testing. Allele origin: germline.
Comment: The p.V2569M variant (also known as c.7705G>A), located in coding exon 46 of the ATR gene, results from a G to A substitution at nucleotide position 7705. The valine at codon 2569 is replaced by methionine, an amino acid with highly similar properties. This amino acid position is conserved. In addition, this alteration is predicted to be tolerated by in silico analysis. Since supporting evidence is limited at this time, the clinical significance of this alteration remains unclear.